The following is an entry in ClinVar:

NM_032043.3(BRIP1):c.890A>C (p.Lys297Thr)

Gene: BRIP1 (BRCA1 interacting DNA helicase 1; minus strand). Cytogenetic location: 17q23.2.
Variant type: single nucleotide variant.
Coding change: c.890A>C on transcript NM_032043.3 (MANE Select); coding-DNA position 890, A replaced by C.
Protein change: p.Lys297Thr; replaces lysine 297 with threonine.
Molecular consequence: missense variant.
Genome position (GRCh38, 1-based): chr17:61,808,495, T>G on the plus strand (A>C on the coding strand, the complement: BRIP1 is on the minus strand). VCF-style: chr17-61808495-T-G. GRCh37 (hg19) VCF-style: chr17-59885856-T-G.
Other names: short protein forms K297T.
Identifiers: ClinVar variation 489843 (VCV000489843.18), dbSNP rs28997570, ClinGen allele CA400484697.

ClinVar aggregate classification (germline): Uncertain significance. Review status: criteria provided, multiple submitters, no conflicts (2 of 4 stars). 4 submissions from 4 submitters: Uncertain significance (4). Last evaluated 2025-04-11.

Conditions:
Hereditary cancer-predisposing syndrome. Also called: Tumor predisposition; Neoplastic Syndromes, Hereditary; Hereditary Cancer Syndrome; Hereditary neoplastic syndrome. Identifiers: Orphanet 140162, MedGen C0027672, MeSH D009386, MONDO:0015356.
Fanconi anemia complementation group J. Also called: BRIP1-Related Fanconi Anemia. Identifiers: Orphanet 84, MedGen C1836860, MONDO:0012187, OMIM 609054.
Familial cancer of breast. Also called: BREAST CANCER, FAMILIAL; hereditary breast carcinoma; Hereditary breast cancer. Identifiers: Orphanet 227535, MedGen C0346153, MONDO:0016419, OMIM 114480. Disease mechanism: loss of function.

gnomAD v4.1: 2 of 1,613,824 alleles (0.00012%); highest among the groups gnomAD compares: Middle Eastern, 0.016%; no homozygotes.

Submissions (4):

Ambry Genetics
Classification: Uncertain significance for Hereditary cancer-predisposing syndrome. Last evaluated: 2025-04-11. Review status: criteria provided, single submitter. Criteria: Ambry Variant Classification Scheme 2023. Collection method: clinical testing. Allele origin: germline.
Comment: The p.K297T variant (also known as c.890A>C), located in coding exon 6 of the BRIP1 gene, results from an A to C substitution at nucleotide position 890. The lysine at codon 297 is replaced by threonine, an amino acid with similar properties. This amino acid position is not well conserved in available vertebrate species. In addition, this alteration is predicted to be tolerated by in silico analysis. Since supporting evidence is limited at this time, the clinical significance of this alteration remains unclear.

Labcorp Genetics (formerly Invitae), Labcorp
Classification: Uncertain significance for Familial cancer of breast; Fanconi anemia complementation group J. Last evaluated: 2025-03-05. Review status: criteria provided, single submitter. Criteria: Invitae Variant Classification Sherloc (09022015). Collection method: clinical testing. Allele origin: germline.
Comment: This sequence change replaces lysine, which is basic and polar, with threonine, which is neutral and polar, at codon 297 of the BRIP1 protein (p.Lys297Thr). This variant is not present in population databases (gnomAD no frequency). This variant has not been reported in the literature in individuals affected with BRIP1-related conditions. ClinVar contains an entry for this variant (Variation ID: 489843). Invitae Evidence Modeling of protein sequence and biophysical properties (such as structural, functional, and spatial information, amino acid conservation, physicochemical variation, residue mobility, and thermodynamic stability) has been performed for this missense variant. However, the output from this modeling did not meet the statistical confidence thresholds required to predict the impact of this variant on BRIP1 protein function. In summary, the available evidence is currently insufficient to determine the role of this variant in disease. Therefore, it has been classified as a Variant of Uncertain Significance.

KCCC/NGS Laboratory, Kuwait Cancer Control Center
Classification: Uncertain significance for Familial cancer of breast. Last evaluated: 2023-09-13. Review status: criteria provided, single submitter. Criteria: ACMG Guidelines, 2015. Collection method: clinical testing. Allele origin: germline. Inheritance: Autosomal dominant inheritance. Affected: yes. Observed: 1 heterozygote.
Comment: This sequence change replaces lysine, which is basic and polar, with threonine, which is neutral and polar, at codon 297 of the BRIP1 protein (p.Lys297Thr). This variant is not present in population databases (gnomAD no frequency). This variant has not been reported in the literature in individuals affected with BRIP1-related conditions. ClinVar contains an entry for this variant (Variation ID: 489843). This amino acid position is not well conserved (PhyloP=2.14). In addition, this alteration is predicted to be tolerated by in silico analysis. In summary, the available evidence is currently insufficient to determine the role of this variant in disease. Therefore, it has been classified as a Variant of Uncertain Significance.

Color Diagnostics, LLC DBA Color Health
Classification: Uncertain significance for Hereditary cancer-predisposing syndrome. Last evaluated: 2023-05-05. Review status: criteria provided, single submitter. Criteria: ACMG Guidelines, 2015. Collection method: clinical testing. Allele origin: germline.
Comment: This missense variant replaces lysine with threonine at codon 297 of the BRIP1 protein. Computational prediction suggests that this variant may not impact protein structure and function (internally defined REVEL score threshold <= 0.5, PMID: 27666373). To our knowledge, functional studies have not been reported for this variant. This variant has not been reported in individuals affected with BRIP1-related disorders in the literature. This variant has not been identified in the general population by the Genome Aggregation Database (gnomAD). The available evidence is insufficient to determine the role of this variant in disease conclusively. Therefore, this variant is classified as a Variant of Uncertain Significance.